The following is an entry in ClinVar:

NM_002133.3(HMOX1):c.253C>G (p.Arg85Gly)

Gene: HMOX1 (heme oxygenase 1; plus strand). Cytogenetic location: 22q12.3.
Variant type: single nucleotide variant.
Coding change: c.253C>G on transcript NM_002133.3 (MANE Select); coding-DNA position 253, C replaced by G.
Protein change: p.Arg85Gly; replaces arginine 85 with glycine.
Molecular consequence: missense variant.
Genome position (GRCh38, 1-based): chr22:35,386,793, C>G. VCF-style: chr22-35386793-C-G. GRCh37 (hg19) VCF-style: chr22-35782786-C-G.
Other names: short protein forms R85G.
Identifiers: ClinVar variation 4696077 (VCV004696077.1).

ClinVar aggregate classification (germline): Uncertain significance (1 of 4 stars; one submission).

gnomAD v4.1: 39 of 1,614,086 alleles (0.0024%); highest among the groups gnomAD compares: Non-Finnish European, 0.0032%; no homozygotes.

Submission:

Labcorp Genetics (formerly Invitae), Labcorp
Classification: Uncertain significance. Last evaluated: 2025-05-20. Review status: criteria provided, single submitter. Criteria: Invitae Variant Classification Sherloc (09022015). Collection method: clinical testing. Allele origin: germline.
Comment: This sequence change replaces arginine, which is basic and polar, with glycine, which is neutral and non-polar, at codon 85 of the HMOX1 protein (p.Arg85Gly). This variant is present in population databases (rs141730669, gnomAD 0.002%). This variant has not been reported in the literature in individuals affected with HMOX1-related conditions. An algorithm developed to predict the effect of missense changes on protein structure and function (PolyPhen-2) suggests that this variant is likely to be disruptive. In summary, the available evidence is currently insufficient to determine the role of this variant in disease. Therefore, it has been classified as a Variant of Uncertain Significance.